The following is an entry in ClinVar:

NM_001322934.2(NFKB2):c.2072-3C>T

Gene: NFKB2 (nuclear factor kappa B subunit 2; plus strand). Cytogenetic location: 10q24.32.
Variant type: single nucleotide variant.
Coding change: c.2072-3C>T on transcript NM_001322934.2 (MANE Select); 3 bases into the intron before coding-DNA position 2072, C replaced by T.
Molecular consequence: intron variant.
Genome position (GRCh38, 1-based): chr10:102,401,177, C>T. VCF-style: chr10-102401177-C-T. GRCh37 (hg19) VCF-style: chr10-104160934-C-T.
Other names: c.2072-3C>T (NM_001288724.1, NM_001261403.3, NM_002502.6 and 2 more transcripts); c.1946-3C>T (NM_001322935.1).
Identifiers: ClinVar variation 474780 (VCV000474780.42), dbSNP rs201550645, ClinGen allele CA5664988.

ClinVar aggregate classification (germline): Conflicting classifications of pathogenicity. Review status: criteria provided, conflicting classifications (1 of 4 stars). 8 submissions from 8 submitters: Uncertain significance (1); Benign (1); Likely benign (5). 1 of the submissions does not count toward it. Last evaluated 2026-08-01.

Conditions:
NFKB2-related disorder. Also called: NFKB2-related condition.
Immunodeficiency, common variable, 10. Also called: DEFICIT IN ANTERIOR PITUITARY FUNCTION AND VARIABLE IMMUNODEFICIENCY; IMMUNODEFICIENCY, COMMON VARIABLE, WITH CENTRAL ADRENAL INSUFFICIENCY. Identifiers: MedGen C3809991, MONDO:0014260, OMIM 615577.

Allele frequency attached by ClinVar (database versions not stated): 1000 Genomes Project 0.00080; 1000 Genomes Project 30x 0.00094; ESP Exome Variant Server 0.00120; gnomAD 0.00120 and 0.00121; TOPMed 0.00148; ExAC 0.00151; gnomAD exomes 0.00154.
gnomAD v4.1: 2,435 of 1,590,482 alleles (0.15%); highest among the groups gnomAD compares: Middle Eastern, 0.6%; 3 homozygotes.

Submissions (16):

CeGaT Center for Human Genetics Tuebingen
Classification: Likely benign. Last evaluated: 2026-08-01. Review status: criteria provided, single submitter. Criteria: CeGaT Center For Human Genetics Tuebingen Variant Classification Criteria Version 2. Collection method: clinical testing. Allele origin: germline. Affected: yes. Observed: 8 variant alleles.
Comment: NFKB2: BP4, BS1

Women's Health and Genetics/Laboratory Corporation of America, LabCorp
Classification: Benign. Last evaluated: 2026-04-06. Review status: criteria provided, single submitter. Criteria: LabCorp Variant Classification Summary - May 2015. Collection method: clinical testing. Allele origin: germline.

Labcorp Genetics (formerly Invitae), Labcorp
Classification: Likely benign for Immunodeficiency, common variable, 10. Last evaluated: 2026-01-27. Review status: criteria provided, single submitter. Criteria: Invitae Variant Classification Sherloc (09022015). Collection method: clinical testing. Allele origin: germline.

Genomic Medicine Center of Excellence, King Faisal Specialist Hospital and Research Centre
Classification: Likely benign. Last evaluated: 2025-08-18. Review status: criteria provided, single submitter. Criteria: ACMG Guidelines, 2015. Collection method: clinical testing. Allele origin: germline.

Blueprint Genetics
Classification: Likely benign. Last evaluated: 2024-11-18. Review status: criteria provided, single submitter. Criteria: ACMG Guidelines, 2015. Collection method: clinical testing. Allele origin: germline.

ARUP Laboratories, Molecular Genetics and Genomics, ARUP Laboratories
Classification: Likely benign for Immunodeficiency, common variable, 10. Last evaluated: 2024-07-17. Review status: criteria provided, single submitter. Criteria: ARUP Molecular Germline Variant Investigation Process 2024. Collection method: clinical testing. Allele origin: germline.

Center for Genomics, Ann and Robert H. Lurie Children's Hospital of Chicago
Classification: Uncertain significance for Immunodeficiency, common variable, 10. Last evaluated: 2021-07-20. Review status: criteria provided, single submitter. Criteria: ACMG Guidelines, 2015. Collection method: clinical testing. Allele origin: germline.
Comment: NFKB2 NM_001077494.3 intron 18 c.2072-3C>T:This variant has not been reported in the literature but is present in 0.1% (113/68016) of European alleles in the Genome Aggregation Database. This variant is present in ClinVar (Variation ID:474780). Evolutionary conservation and computational predictive tools for this variant are limited or unavailable. This variant is an intronic variant with no predicted change in the amino acid sequence but may have an unknown effect on splicing. Computational prediction tools for splicing are unclear. However, further studies are needed to understand its impact. In summary, data on this variant is insufficient for disease classification. Therefore, the clinical significance of this variant is uncertain.

PreventionGenetics, part of Exact Sciences
Classification: Likely benign for NFKB2-related condition. Last evaluated: 2019-05-08. Review status: no assertion criteria provided. Collection method: clinical testing. Allele origin: germline. Not counted in ClinVar's aggregate classification.
Comment: This variant is classified as likely benign based on ACMG/AMP sequence variant interpretation guidelines (Richards et al. 2015 PMID: 25741868, with internal and published modifications).

Dr. Peter K. Rogan Lab, Western University
No classification provided (evidence only). Condition: Familial cancer of breast. Review status: no classification provided. Collection method: in vitro. Allele origin: not applicable. Functional consequence: retained intron. Not counted in ClinVar's aggregate classification.

Dr. Peter K. Rogan Lab, Western University
No classification provided (evidence only). Condition: Familial cancer of breast. Review status: no classification provided. Collection method: in vitro. Allele origin: not applicable. Functional consequence: retained intron. Not counted in ClinVar's aggregate classification.

Dr. Peter K. Rogan Lab, Western University
No classification provided (evidence only). Condition: Colon adenocarcinoma. Review status: no classification provided. Collection method: in vitro. Allele origin: not applicable. Functional consequence: retained intron. Not counted in ClinVar's aggregate classification.

Dr. Peter K. Rogan Lab, Western University
No classification provided (evidence only). Condition: Cervical cancer. Review status: no classification provided. Collection method: in vitro. Allele origin: not applicable. Functional consequence: retained intron. Not counted in ClinVar's aggregate classification.

Dr. Peter K. Rogan Lab, Western University
No classification provided (evidence only). Condition: Sarcoma. Review status: no classification provided. Collection method: in vitro. Allele origin: not applicable. Functional consequence: retained intron. Not counted in ClinVar's aggregate classification.

Dr. Peter K. Rogan Lab, Western University
No classification provided (evidence only). Condition: Uterine carcinosarcoma. Review status: no classification provided. Collection method: in vitro. Allele origin: not applicable. Functional consequence: retained intron. Not counted in ClinVar's aggregate classification.

Dr. Peter K. Rogan Lab, Western University
No classification provided (evidence only). Condition: Uveal melanoma. Review status: no classification provided. Collection method: in vitro. Allele origin: not applicable. Functional consequence: retained intron. Not counted in ClinVar's aggregate classification.

Dr. Peter K. Rogan Lab, Western University
No classification provided (evidence only). Condition: Malignant tumor of esophagus. Review status: no classification provided. Collection method: in vitro. Allele origin: not applicable. Functional consequence: retained intron. Not counted in ClinVar's aggregate classification.